The following is an entry in ClinVar:

NM_182915.3(STEAP3):c.1215+2737C>T

Gene: STEAP3 (STEAP3 metalloreductase; plus strand). Cytogenetic location: 2q14.2.
Variant type: single nucleotide variant.
Coding change: c.1215+2737C>T on transcript NM_182915.3 (MANE Select); 2737 bases into the intron after coding-DNA position 1215, C replaced by T.
Molecular consequence: intron variant. On other transcripts: synonymous variant (1).
Genome position (GRCh38, 1-based): chr2:119,257,585, C>T. VCF-style: chr2-119257585-C-T. GRCh37 (hg19) VCF-style: chr2-120015161-C-T.
Other names: c.1314C>T, p.Cys438= (NM_138637.3); c.1185+2737C>T (NM_018234.3, NM_001008410.2).
Identifiers: ClinVar variation 3043604 (VCV003043604.2), dbSNP rs75199245, ClinGen allele CA1846853.

ClinVar aggregate classification (germline): Benign (0 of 4 stars; one submission).

Conditions:
STEAP3-related disorder. Also called: STEAP3-related condition.

Allele frequency attached by ClinVar (database versions not stated): gnomAD exomes 0.00154; ExAC 0.00558; gnomAD 0.01484; TOPMed 0.01622; 1000 Genomes Project 0.01797; 1000 Genomes Project 30x 0.01874.

Submission:

PreventionGenetics, part of Exact Sciences
Classification: Benign for STEAP3-related condition. Last evaluated: 2019-03-22. Review status: no assertion criteria provided. Collection method: clinical testing. Allele origin: germline.
Comment: This variant is classified as benign based on ACMG/AMP sequence variant interpretation guidelines (Richards et al. 2015 PMID: 25741868, with internal and published modifications).